The following is an entry in ClinVar:

ClinVar aggregate classification (germline): Uncertain significance (1 of 4 stars; one submission).

Conditions:
Inborn genetic diseases. Identifiers: MedGen C0950123, MeSH D030342.

gnomAD v4.1: 5 of 1,609,112 alleles (0.00031%); highest among the groups gnomAD compares: African/African-American, 0.0013%; no homozygotes.

Submission:

Ambry Genetics
Classification: Uncertain significance for Inborn genetic diseases. Last evaluated: 2025-01-01. Review status: criteria provided, single submitter. Criteria: Ambry Variant Classification Scheme 2023. Collection method: clinical testing. Allele origin: germline.
Comment: The p.Y432C variant (also known as c.1295A>G), located in coding exon 10 of the DNMT3A gene, results from an A to G substitution at nucleotide position 1295. The tyrosine at codon 432 is replaced by cysteine, an amino acid with highly dissimilar properties. This amino acid position is conserved. In addition, this alteration is predicted to be deleterious by in silico analysis. Based on the available evidence, the clinical significance of this variant remains unclear.

NM_022552.5(DNMT3A):c.1295A>G (p.Tyr432Cys)

Gene: DNMT3A (DNA methyltransferase 3 alpha; minus strand). Cytogenetic location: 2p23.3.
Variant type: single nucleotide variant.
Coding change: c.1295A>G on transcript NM_022552.5 (MANE Select); coding-DNA position 1295, A replaced by G.
Protein change: p.Tyr432Cys; replaces tyrosine 432 with cysteine.
Molecular consequence: missense variant. On other transcripts: non-coding transcript variant (1).
Genome position (GRCh38, 1-based): chr2:25,246,294, T>C on the plus strand (A>G on the coding strand, the complement: DNMT3A is on the minus strand). VCF-style: chr2-25246294-T-C. GRCh37 (hg19) VCF-style: chr2-25469163-T-C.
Other names: c.839A>G, p.Tyr280Cys (NM_001320893.1); c.626A>G, p.Tyr209Cys (NM_001375819.1); c.728A>G, p.Tyr243Cys (NM_153759.3); c.1295A>G, p.Tyr432Cys (NM_175629.2); short protein forms Y209C, Y243C, Y280C, Y432C.
Identifiers: ClinVar variation 3841752 (VCV003841752.1).